The following is an entry in ClinVar:

ClinVar aggregate classification (germline): Likely pathogenic (1 of 4 stars; one submission).

Conditions:
Alport syndrome. Also called: Hemorrhagic familial nephritis; Hemorrhagic hereditary nephritis; Congenital hereditary hematuria. Identifiers: Orphanet 63, MedGen C1567741, MONDO:0018965.

Submission:

Natera, Inc.
Classification: Likely pathogenic for Alport syndrome. Last evaluated: 2024-09-29. Review status: criteria provided, single submitter. Criteria: Natera Variant Classification Schema (03/2026). Collection method: clinical testing. Allele origin: germline.
Comment: The c.4646_4647del variant in COL4A3 is a frameshift variant predicted to shift the reading frame beginning at codon 1549 and leads to a stop codon 3 codons downstream. This variant is expected to result in nonsense mediated decay, truncation, or a dysfunctional protein product. This variant is rare in the general population with a frequency below the threshold expected for the associated phenotype(s). Given the available evidence, this variant is classified as Likely Pathogenic.

NM_000091.5(COL4A3):c.4646_4647del (p.Thr1549fs)

Genes: COL4A3 (collagen type IV alpha 3 chain; plus strand), MFF-DT (MFF divergent transcript; minus strand). Cytogenetic location: 2q36.3.
Variant type: Deletion.
Coding change: c.4646_4647del on transcript NM_000091.5 (MANE Select); coding-DNA positions 4646 to 4647, 2 bases deleted (CT; older notation c.4646_4647delCT).
Protein change: p.Thr1549fs; shifts the reading frame from threonine 1549.
Molecular consequence: frameshift variant.
Genome position (GRCh38, 1-based): chr2:227,309,209-227,309,210, CT deleted. VCF-style (leftmost placement, unchanged base first): chr2-227309208-ACT-A. GRCh37 (hg19) VCF-style: chr2-228173924-ACT-A.
Other names: c.4646_4647delCT, p.Thr1549Serfs (NM_000091.4); short protein forms T1549fs.
Identifiers: ClinVar variation 4817265 (VCV004817265.1).